The following is an entry in ClinVar:

NM_001385641.1(SAMD11):c.2308C>G (p.Arg770Gly)

Gene: SAMD11 (sterile alpha motif domain containing 11; plus strand). Cytogenetic location: 1p36.33.
Variant type: single nucleotide variant.
Coding change: c.2308C>G on transcript NM_001385641.1 (MANE Select); coding-DNA position 2308, C replaced by G.
Protein change: p.Arg770Gly; replaces arginine 770 with glycine.
Molecular consequence: missense variant.
Genome position (GRCh38, 1-based): chr1:943,926, C>G. VCF-style: chr1-943926-C-G. GRCh37 (hg19) VCF-style: chr1-879306-C-G.
Other names: c.2311C>G, p.Arg771Gly (NM_001385640.1); c.1819C>G, p.Arg607Gly (NM_152486.4); short protein forms R607G, R770G, R771G.
Identifiers: ClinVar variation 839529 (VCV000839529.11), dbSNP rs1372398647, ClinGen allele CA337817520.

ClinVar aggregate classification (germline): Uncertain significance. Review status: criteria provided, multiple submitters, no conflicts (2 of 4 stars). 2 submissions from 2 submitters: Uncertain significance (2). Last evaluated 2024-08-29.

gnomAD v4.1: 11 of 1,612,682 alleles (0.00068%); highest among the groups gnomAD compares: Middle Eastern, 0.017%; no homozygotes.

Submissions (2):

Ambry Genetics
Classification: Uncertain significance. Last evaluated: 2024-08-29. Review status: criteria provided, single submitter. Criteria: Ambry Variant Classification Scheme 2023. Collection method: clinical testing. Allele origin: germline.

Labcorp Genetics (formerly Invitae), Labcorp
Classification: Uncertain significance. Last evaluated: 2022-03-17. Review status: criteria provided, single submitter. Criteria: Invitae Variant Classification Sherloc (09022015). Collection method: clinical testing. Allele origin: germline.
Comment: In summary, the available evidence is currently insufficient to determine the role of this variant in disease. Therefore, it has been classified as a Variant of Uncertain Significance. Algorithms developed to predict the effect of missense changes on protein structure and function are either unavailable or do not agree on the potential impact of this missense change (SIFT: "Deleterious"; PolyPhen-2: "Probably Damaging"; Align-GVGD: "Class C0"). ClinVar contains an entry for this variant (Variation ID: 839529). This variant has not been reported in the literature in individuals affected with SAMD11-related conditions. This variant is present in population databases (no rsID available, gnomAD 0.003%). This sequence change replaces arginine, which is basic and polar, with glycine, which is neutral and non-polar, at codon 607 of the SAMD11 protein (p.Arg607Gly).